The following is an entry in ClinVar:

NM_003816.3(ADAM9):c.1600G>C (p.Ala534Pro)

Gene: ADAM9 (ADAM metallopeptidase domain 9; plus strand). Cytogenetic location: 8p11.22.
Variant type: single nucleotide variant.
Coding change: c.1600G>C on transcript NM_003816.3 (MANE Select); coding-DNA position 1600, G replaced by C.
Protein change: p.Ala534Pro; replaces alanine 534 with proline.
Molecular consequence: missense variant. On other transcripts: non-coding transcript variant (3).
Genome position (GRCh38, 1-based): chr8:39,071,306, G>C. VCF-style: chr8-39071306-G-C. GRCh37 (hg19) VCF-style: chr8-38928825-G-C.
Other names: c.1600G>C (NM_003816.2); short protein forms A534P.
Identifiers: ClinVar variation 1510694 (VCV001510694.10), dbSNP rs761954271, ClinGen allele CA4721673.

ClinVar aggregate classification (germline): Uncertain significance. Review status: criteria provided, multiple submitters, no conflicts (2 of 4 stars). 3 submissions from 3 submitters: Uncertain significance (3). Last evaluated 2025-12-08.

Conditions:
Inborn genetic diseases. Identifiers: MedGen C0950123, MeSH D030342.

Allele frequency attached by ClinVar (database versions not stated): ExAC 0.00003; gnomAD exomes 0.00005; gnomAD 0.00007 and 0.00008.

Submissions (3):

Labcorp Genetics (formerly Invitae), Labcorp
Classification: Uncertain significance. Last evaluated: 2025-12-08. Review status: criteria provided, single submitter. Criteria: Invitae Variant Classification Sherloc (09022015). Collection method: clinical testing. Allele origin: germline.
Comment: This sequence change replaces alanine, which is neutral and non-polar, with proline, which is neutral and non-polar, at codon 534 of the ADAM9 protein (p.Ala534Pro). This variant is present in population databases (rs761954271, gnomAD 0.02%). This variant has not been reported in the literature in individuals affected with ADAM9-related conditions. ClinVar contains an entry for this variant (Variation ID: 1510694). Invitae Evidence Modeling of protein sequence and biophysical properties (such as structural, functional, and spatial information, amino acid conservation, physicochemical variation, residue mobility, and thermodynamic stability) indicates that this missense variant is not expected to disrupt ADAM9 protein function with a negative predictive value of 80%. In summary, the available evidence is currently insufficient to determine the role of this variant in disease. Therefore, it has been classified as a Variant of Uncertain Significance.

Ambry Genetics
Classification: Uncertain significance for Inborn genetic diseases. Last evaluated: 2022-12-02. Review status: criteria provided, single submitter. Criteria: Ambry Variant Classification Scheme 2023. Collection method: clinical testing. Allele origin: germline.

Blueprint Genetics
Classification: Uncertain significance. Last evaluated: 2022-04-01. Review status: criteria provided, single submitter. Criteria: ACMG Guidelines, 2015. Collection method: clinical testing. Allele origin: germline.